The following is an entry in ClinVar:

ClinVar aggregate classification (germline): Uncertain significance (1 of 4 stars; one submission).

Conditions:
Cardiovascular phenotype. Identifiers: MedGen CN230736.

Submission:

Ambry Genetics
Classification: Uncertain significance for Cardiovascular phenotype. Last evaluated: 2019-02-14. Review status: criteria provided, single submitter. Criteria: Ambry Variant Classification Scheme 2023. Collection method: clinical testing. Allele origin: germline.
Comment: The p.P16T variant (also known as c.46C>A), located in coding exon 1 of the CACNB2 gene, results from a C to A substitution at nucleotide position 46. The proline at codon 16 is replaced by threonine, an amino acid with highly similar properties. This amino acid position is not well conserved in available vertebrate species. In addition, this alteration is predicted to be tolerated by in silico analysis. Since supporting evidence is limited at this time, the clinical significance of this alteration remains unclear.

NM_201590.3(CACNB2):c.46C>A (p.Pro16Thr)

Gene: CACNB2 (calcium voltage-gated channel auxiliary subunit beta 2; plus strand). Cytogenetic location: 10p12.32.
Variant type: single nucleotide variant.
Coding change: c.46C>A on transcript NM_201590.3 (MANE Plus Clinical); coding-DNA position 46, C replaced by A.
Protein change: p.Pro16Thr; replaces proline 16 with threonine.
Molecular consequence: missense variant. On other transcripts: intron variant (8).
Genome position (GRCh38, 1-based): chr10:18,340,972, C>A. VCF-style: chr10-18340972-C-A. GRCh37 (hg19) VCF-style: chr10-18629901-C-A.
Other names: c.130-60952C>A (NM_201571.4, NM_001167945.2, NM_201572.4); c.214-60952C>A (NM_201596.3, NM_201593.3, NM_201597.3); c.49-60952C>A (NM_000724.4, NM_001330060.2); short protein forms P16T.
Identifiers: ClinVar variation 1742529 (VCV001742529.2), dbSNP rs2492648869, ClinGen allele CA376219197.